The following is an entry in ClinVar:

ClinVar aggregate classification (germline): Uncertain significance (1 of 4 stars; one submission).

Conditions:
Inborn genetic diseases. Identifiers: MedGen C0950123, MeSH D030342.

Submission:

Ambry Genetics
Classification: Uncertain significance for Inborn genetic diseases. Last evaluated: 2026-07-07. Review status: criteria provided, single submitter. Criteria: Ambry Variant Classification Scheme 2023. Collection method: clinical testing. Allele origin: germline.
Comment: The p.N4708S variant (also known as c.14123A>G), located in coding exon 96 of the RYR1 gene, results from an A to G substitution at nucleotide position 14123. The asparagine at codon 4708 is replaced by serine, an amino acid with highly similar properties. This amino acid position is conserved. In addition, the in silico prediction for this alteration is inconclusive. Based on the available evidence, the clinical significance of this variant remains unclear.

NM_000540.3(RYR1):c.14123A>G (p.Asn4708Ser)

Gene: RYR1 (ryanodine receptor 1; plus strand). Cytogenetic location: 19q13.2.
Variant type: single nucleotide variant.
Coding change: c.14123A>G on transcript NM_000540.3 (MANE Select); coding-DNA position 14123, A replaced by G.
Protein change: p.Asn4708Ser; replaces asparagine 4708 with serine.
Molecular consequence: missense variant.
Genome position (GRCh38, 1-based): chr19:38,573,301, A>G. VCF-style: chr19-38573301-A-G. GRCh37 (hg19) VCF-style: chr19-39063941-A-G.
Other names: c.14108A>G, p.Asn4703Ser (NM_001042723.2); short protein forms N4703S, N4708S.
Identifiers: ClinVar variation 5028647 (VCV005028647.1).